The following is an entry in ClinVar:

NM_000441.2(SLC26A4):c.301C>T (p.Gln101Ter)

Gene: SLC26A4 (solute carrier family 26 member 4; plus strand). Cytogenetic location: 7q22.3.
Variant type: single nucleotide variant.
Coding change: c.301C>T on transcript NM_000441.2 (MANE Select); coding-DNA position 301, C replaced by T.
Protein change: p.Gln101Ter; replaces glutamine 101 with a stop codon.
Molecular consequence: nonsense.
Genome position (GRCh38, 1-based): chr7:107,663,432, C>T. VCF-style: chr7-107663432-C-T. GRCh37 (hg19) VCF-style: chr7-107303877-C-T.
Other names: short protein forms Q101*.
Identifiers: ClinVar variation 620294 (VCV000620294.1), dbSNP rs1562818685, ClinGen allele CA368845837.

ClinVar aggregate classification (germline): Pathogenic (1 of 4 stars; one submission).

Submission:

GeneDx
Classification: Pathogenic. Last evaluated: 2018-08-13. Review status: criteria provided, single submitter. Criteria: GeneDx Variant Classification (06012015). Collection method: clinical testing. Allele origin: germline. Affected: yes.
Comment: The Q101X nonsense variant has not been published as a pathogenic variant, nor has it been reported as a benign variant to our knowledge. The variant is not observed in large population cohorts (Lek et al., 2016). The variant is predicted to cause loss of normal protein function either through protein truncation or nonsense-mediated mRNA decay. We consider this variant to be pathogenic.